The following is an entry in ClinVar:

ClinVar aggregate classification (germline): Pathogenic. Review status: reviewed by expert panel (3 of 4 stars). 2 submissions from 2 submitters: Pathogenic (1). 1 of the submissions does not count toward it. Last evaluated 2016-09-08.

Conditions:
Breast-ovarian cancer, familial, susceptibility to, 2 (BROVCA2). Also called: BRCA2 Hereditary Breast and Ovarian Cancer. Identifiers: Orphanet 145, MedGen C2675520, MONDO:0012933, OMIM 612555. Disease mechanism: loss of function.

Submissions (2):

Evidence-based Network for the Interpretation of Germline Mutant Alleles (ENIGMA)
Classification: Pathogenic for Breast-ovarian cancer, familial, susceptibility to, 2. Last evaluated: 2016-09-08. Review status: reviewed by expert panel. Criteria: ENIGMA BRCA1/2 Classification Criteria (2015). Collection method: curation. Allele origin: germline.
Comment: Variant allele predicted to encode a truncated non-functional protein.

Sharing Clinical Reports Project (SCRP)
Classification: Pathogenic for Breast-ovarian cancer, familial 2. Last evaluated: 2012-05-01. Review status: no assertion criteria provided. Collection method: clinical testing. Allele origin: germline. Not counted in ClinVar's aggregate classification.

NM_000059.4(BRCA2):c.3857_3860del (p.Lys1286fs)

Gene: BRCA2 (BRCA2 DNA repair associated; plus strand). Cytogenetic location: 13q13.1.
Variant type: Deletion.
Coding change: c.3857_3860del on transcript NM_000059.4 (MANE Select); coding-DNA positions 3857 to 3860, 4 bases deleted (AAAA; older notation c.3857_3860delAAAA).
Protein change: p.Lys1286fs; shifts the reading frame from lysine 1286.
Molecular consequence: frameshift variant.
Genome position (GRCh38, 1-based): chr13:32,338,212-32,338,215, AAAA deleted; deleting any 4 consecutive bases within chr13:32,338,209-32,338,215 gives the same sequence; the c. name uses the placement nearest the transcript's 3' end. VCF-style (leftmost placement, unchanged base first): chr13-32338208-GAAAA-G. GRCh37 (hg19) VCF-style: chr13-32912345-GAAAA-G.
Other names: 4084del4; c.3857_3860delAAAA (NM_000059.3); short protein forms K1286fs.
Identifiers: ClinVar variation 254527 (VCV000254527.2), dbSNP rs80359406, ClinGen allele CA018962.